The following is an entry in ClinVar:

ClinVar aggregate classification (germline): Likely pathogenic (1 of 4 stars; one submission).

Conditions:
Alstrom syndrome (ALMS). Identifiers: Orphanet 64, MedGen C0268425, MONDO:0008763, OMIM 203800.

Submission:

Labcorp Genetics (formerly Invitae), Labcorp
Classification: Likely pathogenic for Alstrom syndrome. Last evaluated: 2022-07-23. Review status: criteria provided, single submitter. Criteria: Invitae Variant Classification Sherloc (09022015). Collection method: clinical testing. Allele origin: germline.
Comment: This variant results in a copy number gain of the genomic region encompassing exon(s) 10-12 of the ALMS1 gene. While the exact position of this variant cannot be determined from the data, sub-genic copy number gains are generally in tandem (PMID: 25640679). This variant is predicted to be out-of-frame, and may result in an absent or disrupted protein product. Loss-of-function variants in ALMS1 are known to be pathogenic (PMID: 17594715). This variant has not been reported in the literature in individuals affected with ALMS1-related conditions. In summary, the currently available evidence indicates that the variant is pathogenic, but additional data are needed to prove that conclusively. Therefore, this variant has been classified as Likely Pathogenic.

Literature cited by the submitters: PubMed 25640679; PubMed 17594715.

NC_000002.11:g.(?_73716751)_(73762086_?)dup

Gene: ALMS1 (ALMS1 centrosome and basal body associated protein; plus strand). Cytogenetic location: 2p13.1.
Variant type: Duplication.
Identifiers: ClinVar variation 1067381 (VCV001067381.2).